The following is an entry in ClinVar:

NC_012920.1(MT-CYB):m.15843T>C

Gene: MT-CYB (mitochondrially encoded cytochrome b; plus strand).
Variant type: single nucleotide variant.
Genome position: chrM-15843-T-C.
Identifiers: ClinVar variation 693964 (VCV000693964.1), dbSNP rs1603225538, ClinGen allele CA913174996.

ClinVar aggregate classification (germline): Uncertain significance (1 of 4 stars; one submission).

Conditions:
Leigh syndrome (NULS). Also called: Leigh's necrotizing encephalopathy; Leigh's disease; Leigh's syndrome; LEIGH SYNDROME, NUCLEAR; Leigh Syndrome (mtDNA deletion); Leigh Disease. Identifiers: Orphanet 506, MedGen C2931891, MONDO:0009723, OMIM 256000.

Submission:

Wong Mito Lab, Molecular and Human Genetics, Baylor College of Medicine
Classification: Uncertain significance for Leigh syndrome. Last evaluated: 2019-10-17. Review status: criteria provided, single submitter. Criteria: Modified ACMG Guidelines (Unpublished). Collection method: clinical testing. Allele origin: germline.
Comment: The NC_012920.1:m.15843T>C (YP_003024038.1:p.Met366Thr) variant in MTCYB gene is interpretated to be a Uncertain Significance variant based on the modified ACMG guidelines (unpublished). This variant meets the following evidence codes: PP6, BP4